The following is an entry in ClinVar:

NM_018124.4(RFWD3):c.959T>G (p.Leu320Arg)

Gene: RFWD3 (ring finger and WD repeat domain 3; minus strand). Cytogenetic location: 16q23.1.
Variant type: single nucleotide variant.
Coding change: c.959T>G on transcript NM_018124.4 (MANE Select); coding-DNA position 959, T replaced by G.
Protein change: p.Leu320Arg; replaces leucine 320 with arginine.
Molecular consequence: missense variant.
Genome position (GRCh38, 1-based): chr16:74,644,569, A>C on the plus strand (T>G on the coding strand, the complement: RFWD3 is on the minus strand). VCF-style: chr16-74644569-A-C. GRCh37 (hg19) VCF-style: chr16-74678467-A-C.
Other names: c.959T>G, p.Leu320Arg (NM_001370534.1, NM_001370535.1, NM_001370536.1); c.125T>G, p.Leu42Arg (NM_001370537.1, NM_001370539.1, NM_001370540.1 and 3 more transcripts); short protein forms L320R, L42R.
Identifiers: ClinVar variation 2007006 (VCV002007006.4), dbSNP rs771780584, ClinGen allele CA8169388.

ClinVar aggregate classification (germline): Uncertain significance (1 of 4 stars; one submission).

Allele frequency attached by ClinVar (database versions not stated): ExAC 0.00001.

Submission:

Labcorp Genetics (formerly Invitae), Labcorp
Classification: Uncertain significance. Last evaluated: 2023-07-07. Review status: criteria provided, single submitter. Criteria: Invitae Variant Classification Sherloc (09022015). Collection method: clinical testing. Allele origin: germline.
Comment: In summary, the available evidence is currently insufficient to determine the role of this variant in disease. Therefore, it has been classified as a Variant of Uncertain Significance. An algorithm developed to predict the effect of missense changes on protein structure and function (PolyPhen-2) suggests that this variant is likely to be disruptive. ClinVar contains an entry for this variant (Variation ID: 2007006). This variant has not been reported in the literature in individuals affected with RFWD3-related conditions. This variant is present in population databases (rs771780584, gnomAD 0.0009%). This sequence change replaces leucine, which is neutral and non-polar, with arginine, which is basic and polar, at codon 320 of the RFWD3 protein (p.Leu320Arg).